The following is an entry in ClinVar:

NC_000003.12:g.(?_129170453)_(129551340_?)dup

Genes: CNBP (CCHC-type zinc finger nucleic acid binding protein; minus strand), COPG1 (COPI coat complex subunit gamma 1; plus strand), EFCAB12 (EF-hand calcium binding domain 12; minus strand), H1-10 (H1.10 linker histone; minus strand), H1-8 (H1.8 linker histone; plus strand) and 4 more. Cytogenetic location: 3q21.3-22.1.
Variant type: Duplication.
Identifiers: ClinVar variation 830616 (VCV000830616.1).

ClinVar aggregate classification (germline): Uncertain significance (1 of 4 stars; one submission).

Submission:

Labcorp Genetics (formerly Invitae), Labcorp
Classification: Uncertain significance. Last evaluated: 2019-09-05. Review status: criteria provided, single submitter. Criteria: Invitae Variant Classification Sherloc (09022015). Collection method: clinical testing. Allele origin: germline.
Comment: This variant results in a copy number gain of the genomic region encompassing the full coding sequence of the RHO gene. The boundaries of this event are unknown as they extend beyond the assayed region for this gene and therefore may encompass additional genes. As the precise location of this event is unknown, it may be in tandem or it may be located elsewhere in the genome. This variant has not been reported in the literature in individuals with RHO-related conditions. In summary, the available evidence is currently insufficient to determine the role of this variant in disease. Therefore, it has been classified as a Variant of Uncertain Significance.